The following is an entry in ClinVar:

NM_017780.4(CHD7):c.4850+1G>A

Gene: CHD7 (chromodomain helicase DNA binding protein 7; plus strand). Cytogenetic location: 8q12.2.
Variant type: single nucleotide variant.
Coding change: c.4850+1G>A on transcript NM_017780.4 (MANE Select); the canonical splice donor site of the intron after coding-DNA position 4850, G replaced by A.
Molecular consequence: splice donor variant. On other transcripts: intron variant (1).
Genome position (GRCh38, 1-based): chr8:60,842,053, G>A. VCF-style: chr8-60842053-G-A. GRCh37 (hg19) VCF-style: chr8-61754612-G-A.
Other names: c.1717-20176G>A (NM_001316690.1).
Identifiers: ClinVar variation 1803604 (VCV001803604.6), dbSNP rs2487948749, ClinGen allele CA371319716.

ClinVar aggregate classification (germline): Pathogenic. Review status: criteria provided, multiple submitters, no conflicts (2 of 4 stars). 2 submissions from 2 submitters: Pathogenic (2). Last evaluated 2022-06-07.

Conditions:
CHARGE syndrome (CHARGE). Also called: Hittner Hirsch Kreh syndrome; CHARGE ASSOCIATION--COLOBOMA, HEART ANOMALY, CHOANAL ATRESIA, RETARDATION, GENITAL AND EAR ANOMALIES; Coloboma, heart anomaly, choanal atresia, retardation, genital and ear anomalies; CHARGE association; Hall-Hittner syndrome. Identifiers: Orphanet 138, MedGen C0265354, MONDO:0008965.

Submissions (2):

GeneDx
Classification: Pathogenic. Last evaluated: 2022-06-07. Review status: criteria provided, single submitter. Criteria: GeneDx Variant Classification Process June 2021. Collection method: clinical testing. Allele origin: germline. Affected: yes.
Comment: Canonical splice site variant predicted to result in a null allele in a gene for which loss of function is a known mechanism of disease; Not observed at significant frequency in large population cohorts (gnomAD); This variant is associated with the following publications: (PMID: 16400610)

Labcorp Genetics (formerly Invitae), Labcorp
Classification: Pathogenic for CHARGE syndrome. Last evaluated: 2021-12-15. Review status: criteria provided, single submitter. Criteria: Invitae Variant Classification Sherloc (09022015). Collection method: clinical testing. Allele origin: germline.
Comment: For these reasons, this variant has been classified as Pathogenic. Algorithms developed to predict the effect of sequence changes on RNA splicing suggest that this variant may disrupt the consensus splice site. Disruption of this splice site has been observed in individual(s) with CHARGE syndrome (PMID: 16400610). In at least one individual the variant was observed to be de novo. This variant is not present in population databases (gnomAD no frequency). This sequence change affects a donor splice site in intron 21 of the CHD7 gene. It is expected to disrupt RNA splicing. Variants that disrupt the donor or acceptor splice site typically lead to a loss of protein function (PMID: 16199547), and loss-of-function variants in CHD7 are known to be pathogenic (PMID: 22461308, 25077900).

Literature cited by the submitters: PubMed 16400610 (cited by Labcorp Genetics (formerly Invitae), Labcorp); PubMed 16199547 (cited by Labcorp Genetics (formerly Invitae), Labcorp); PubMed 22461308 (cited by Labcorp Genetics (formerly Invitae), Labcorp); PubMed 25077900 (cited by Labcorp Genetics (formerly Invitae), Labcorp).